The following is an entry in ClinVar:

ClinVar aggregate classification (germline): Benign/Likely benign. Review status: criteria provided, multiple submitters, no conflicts (2 of 4 stars). 2 submissions from 2 submitters: Benign (1); Likely benign (1). Last evaluated 2026-09-02.

Conditions:
LSR-related condition.

Allele frequency attached by ClinVar (database versions not stated): ESP Exome Variant Server 0.00008; gnomAD 0.00015; gnomAD exomes 0.00018; TOPMed 0.00018; ExAC 0.00020.

Submissions (2):

PreventionGenetics, part of Exact Sciences
Classification: Likely benign for LSR-related condition. Last evaluated: 2026-09-02. Review status: criteria provided, single submitter. Criteria: ACMG Guidelines, 2015. Collection method: clinical testing. Allele origin: germline.
Comment: This variant is classified as likely benign based on ACMG/AMP sequence variant interpretation guidelines (Richards et al. 2015 PMID: 25741868, with internal and published modifications).

Labcorp Genetics (formerly Invitae), Labcorp
Classification: Benign. Last evaluated: 2024-12-18. Review status: criteria provided, single submitter. Criteria: Invitae Variant Classification Sherloc (09022015). Collection method: clinical testing. Allele origin: germline.

NM_205834.4(LSR):c.402C>T (p.Asn134=)

Gene: LSR (lipolysis stimulated lipoprotein receptor; plus strand). Cytogenetic location: 19q13.12.
Variant type: single nucleotide variant.
Coding change: c.402C>T on transcript NM_205834.4 (MANE Select); coding-DNA position 402, C replaced by T.
Protein change: p.Asn134=; no amino-acid change (asparagine 134 retained).
Molecular consequence: synonymous variant.
Genome position (GRCh38, 1-based): chr19:35,250,607, C>T. VCF-style: chr19-35250607-C-T. GRCh37 (hg19) VCF-style: chr19-35741510-C-T.
Other names: c.402C>T, p.Asn134= (NM_001260489.2, NM_001260490.2, NM_001385215.1 and 2 more transcripts); c.546C>T (NM_205834.3).
Identifiers: ClinVar variation 2905321 (VCV002905321.4), dbSNP rs142198012, ClinGen allele CA9374672.